The following is an entry in ClinVar:

ClinVar aggregate classification (germline): Uncertain significance (1 of 4 stars; one submission).

Conditions:
Hereditary cancer-predisposing syndrome. Also called: Tumor predisposition; Hereditary neoplastic syndrome; Neoplastic Syndromes, Hereditary; Hereditary Cancer Syndrome. Identifiers: Orphanet 140162, MedGen C0027672, MeSH D009386, MONDO:0015356.

Submission:

Ambry Genetics
Classification: Uncertain significance for Hereditary cancer-predisposing syndrome. Last evaluated: 2026-06-03. Review status: criteria provided, single submitter. Criteria: Ambry Variant Classification Scheme 2023. Collection method: clinical testing. Allele origin: germline.
Comment: The p.R772G variant (also known as c.2314C>G), located in coding exon 4 of the MSH6 gene, results from a C to G substitution at nucleotide position 2314. The arginine at codon 772 is replaced by glycine, an amino acid with dissimilar properties. This amino acid position is highly conserved in available vertebrate species. In addition, this alteration is predicted to be deleterious by in silico analysis. Based on the available evidence, the clinical significance of this variant remains unclear.

NM_000179.3(MSH6):c.2314C>G (p.Arg772Gly)

Gene: MSH6 (mutS homolog 6; plus strand). Cytogenetic location: 2p16.3.
Variant type: single nucleotide variant.
Coding change: c.2314C>G on transcript NM_000179.3 (MANE Select); coding-DNA position 2314, C replaced by G.
Protein change: p.Arg772Gly; replaces arginine 772 with glycine.
Molecular consequence: missense variant.
Genome position (GRCh38, 1-based): chr2:47,800,297, C>G. VCF-style: chr2-47800297-C-G. GRCh37 (hg19) VCF-style: chr2-48027436-C-G.
Other names: c.1924C>G, p.Arg642Gly (NM_001281492.2); c.1408C>G, p.Arg470Gly (NM_001281493.2, NM_001281494.2); short protein forms R772G, R642G, R470G.
Identifiers: ClinVar variation 483821 (VCV000483821.6), dbSNP rs63750138, ClinGen allele CA346753162.